The following is an entry in ClinVar:

NM_000074.3(CD40LG):c.499G>A (p.Gly167Arg)

Gene: CD40LG (CD40 ligand; plus strand). Cytogenetic location: Xq26.3.
Variant type: single nucleotide variant.
Coding change: c.499G>A on transcript NM_000074.3 (MANE Select); coding-DNA position 499, G replaced by A.
Protein change: p.Gly167Arg; replaces glycine 167 with arginine.
Molecular consequence: missense variant.
Genome position (GRCh38, 1-based): chrX:136,659,128, G>A. VCF-style: chrX-136659128-G-A. GRCh37 (hg19) VCF-style: chrX-135741287-G-A.
Other names: short protein forms G167R.
Identifiers: ClinVar variation 2138730 (VCV002138730.4), dbSNP rs2522117875, ClinGen allele CA414755748.

ClinVar aggregate classification (germline): Pathogenic (1 of 4 stars; one submission).

Conditions:
Hyper-IgM syndrome type 1. Also called: Hyper-IgM Immunodeficiency Syndrome, Type 1; CD40 Ligand Deficiency; X-linked hyper-IgM syndrome; Immunodeficiency, X-linked, with hyper-IgM. Identifiers: Orphanet 101088, MedGen C0398689, MONDO:0010626, OMIM 308230.

Submission:

Labcorp Genetics (formerly Invitae), Labcorp
Classification: Pathogenic for Hyper-IgM syndrome type 1. Last evaluated: 2025-08-15. Review status: criteria provided, single submitter. Criteria: Invitae Variant Classification Sherloc (09022015). Collection method: clinical testing. Allele origin: germline.
Comment: This sequence change replaces glycine, which is neutral and non-polar, with arginine, which is basic and polar, at codon 167 of the CD40LG protein (p.Gly167Arg). This variant is not present in population databases (gnomAD no frequency). This missense change has been observed in individuals with hyper IgM syndrome (PMID: 19575287, 24768948, 25215306, 34335625). ClinVar contains an entry for this variant (Variation ID: 2138730). Invitae Evidence Modeling of protein sequence and biophysical properties (such as structural, functional, and spatial information, amino acid conservation, physicochemical variation, residue mobility, and thermodynamic stability) indicates that this missense variant is expected to disrupt CD40LG protein function with a positive predictive value of 80%. For these reasons, this variant has been classified as Pathogenic.

Literature cited by the submitters: PubMed 19575287; PubMed 24768948; PubMed 25215306; PubMed 34335625.